The following is an entry in ClinVar:

ClinVar aggregate classification (germline): Likely pathogenic (1 of 4 stars; one submission).

Conditions:
Zellweger spectrum disorders (ZS). Also called: Zellweger Spectrum Disorder; Zellweger Spectrum; Zellweger syndrome; Zellweger Spectrum Disorder (ZSD). Identifiers: Orphanet 912, MedGen C0043459, MONDO:0019609.

Submission:

Labcorp Genetics (formerly Invitae), Labcorp
Classification: Likely pathogenic for Zellweger spectrum disorders. Last evaluated: 2023-12-14. Review status: criteria provided, single submitter. Criteria: Invitae Variant Classification Sherloc (09022015). Collection method: clinical testing. Allele origin: germline.
Comment: This sequence change affects an acceptor splice site in intron 13 of the PEX1 gene. It is expected to disrupt RNA splicing. Variants that disrupt the donor or acceptor splice site typically lead to a loss of protein function (PMID: 16199547), and loss-of-function variants in PEX1 are known to be pathogenic (PMID: 21031596, 26387595, 31831025). This variant is not present in population databases (gnomAD no frequency). This variant has not been reported in the literature in individuals affected with PEX1-related conditions. Algorithms developed to predict the effect of sequence changes on RNA splicing suggest that this variant may disrupt the consensus splice site. In summary, the currently available evidence indicates that the variant is pathogenic, but additional data are needed to prove that conclusively. Therefore, this variant has been classified as Likely Pathogenic.

Literature cited by the submitters: PubMed 16199547; PubMed 21031596; PubMed 26387595; PubMed 31831025.

NM_000466.3(PEX1):c.2227-1G>C

Gene: PEX1 (peroxisomal biogenesis factor 1; minus strand). Cytogenetic location: 7q21.2.
Variant type: single nucleotide variant.
Coding change: c.2227-1G>C on transcript NM_000466.3 (MANE Select); the canonical splice acceptor site of the intron before coding-DNA position 2227, G replaced by C.
Molecular consequence: splice acceptor variant.
Genome position (GRCh38, 1-based): chr7:92,502,080, C>G on the plus strand (G>C on the coding strand, the complement: PEX1 is on the minus strand). VCF-style: chr7-92502080-C-G. GRCh37 (hg19) VCF-style: chr7-92131394-C-G.
Other names: c.2056-1G>C (NM_001282677.2); c.1603-1G>C (NM_001282678.2).
Identifiers: ClinVar variation 2703220 (VCV002703220.3), dbSNP rs2484662083, ClinGen allele CA368178885.
Genomic context (GRCh38, chr7:92,502,080, plus strand): 5'-GTTTATATCACAGTCCAATTTATTTTTTATTACATTACACAGAATTTCACATCTTTGTTC[C>G]TAAAGAAAAAAACACAAAATTCGAATTTCCAATTGTATTCAACTGTATATTTTTGAATGT-3'